The following is an entry in ClinVar:

ClinVar aggregate classification (germline): Pathogenic (1 of 4 stars; one submission).

Conditions:
Familial cancer of breast. Also called: Hereditary breast cancer; BREAST CANCER, FAMILIAL; hereditary breast carcinoma. Identifiers: Orphanet 227535, MedGen C0346153, MONDO:0016419, OMIM 114480. Disease mechanism: loss of function.

Submission:

Myriad Genetics, Inc.
Classification: Pathogenic for Familial cancer of breast. Last evaluated: 2023-09-11. Review status: criteria provided, single submitter. Criteria: Myriad Autosomal Dominant, Autosomal Recessive and X-Linked Classification Criteria (2023). Collection method: clinical testing. Allele origin: unknown.
Comment: This variant is considered pathogenic. This variant creates a frameshift predicted to result in premature protein truncation.

NM_024675.4(PALB2):c.1677dup (p.Val560fs)

Gene: PALB2 (partner and localizer of BRCA2; minus strand). Cytogenetic location: 16p12.2.
Variant type: Duplication.
Coding change: c.1677dup on transcript NM_024675.4 (MANE Select); coding-DNA position 1677, one base duplicated (A; older notation c.1677dupA).
Protein change: p.Val560fs; shifts the reading frame from valine 560.
Molecular consequence: frameshift variant. On other transcripts: intron variant (3).
Genome position (GRCh38, 1-based): chr16:23,634,869, T duplicated on the plus strand (A on the coding strand, the reverse complement: PALB2 is on the minus strand); the first of 2 consecutive T bases (chr16:23,634,869-23,634,870); duplicating either gives the same sequence. VCF-style (leftmost placement, unchanged base first): chr16-23634868-C-CT. GRCh37 (hg19) VCF-style: chr16-23646189-C-CT.
Other names: c.1617dup, p.Val540fs (NM_001407296.1); c.1677dup, p.Val560fs (NM_001407297.1, NM_001407298.1, NM_001407299.1 and 3 more transcripts); c.792dup, p.Val265fs (NM_001407304.1, NM_001407305.1, NM_001407306.1 and 5 more transcripts); c.49-5594dup (NM_001407314.1); c.-104-4400dup (NM_001407313.1, NM_001407312.1); short protein forms V265fs, V540fs, V560fs.
Identifiers: ClinVar variation 2674125 (VCV002674125.1), dbSNP rs515726073, ClinGen allele CA2695197538.